The following is an entry in ClinVar:

ClinVar aggregate classification (germline): Uncertain significance (1 of 4 stars; one submission).

Conditions:
Cardiovascular phenotype. Identifiers: MedGen CN230736.

gnomAD v4.1: 1 of 1,611,898 alleles (0.000062%); highest among the groups gnomAD compares: Admixed American, 0.0017%; no homozygotes.

Submission:

Ambry Genetics
Classification: Uncertain significance for Cardiovascular phenotype. Last evaluated: 2025-09-21. Review status: criteria provided, single submitter. Criteria: Ambry Variant Classification Scheme 2023. Collection method: clinical testing. Allele origin: germline.
Comment: The p.R1735P variant (also known as c.5204G>C), located in coding exon 13 of the TNXB gene, results from a G to C substitution at nucleotide position 5204. The arginine at codon 1735 is replaced by proline, an amino acid with dissimilar properties. This amino acid position is conserved. In addition, this alteration is predicted to be tolerated by in silico analysis. Based on the available evidence, the clinical significance of this variant remains unclear.

NM_001365276.2(TNXB):c.5204G>C (p.Arg1735Pro)

Gene: TNXB (tenascin XB; minus strand). Cytogenetic location: 6p21.33.
Variant type: single nucleotide variant.
Coding change: c.5204G>C on transcript NM_001365276.2 (MANE Select); coding-DNA position 5204, G replaced by C.
Protein change: p.Arg1735Pro; replaces arginine 1735 with proline.
Molecular consequence: missense variant.
Genome position (GRCh38, 1-based): chr6:32,070,201, C>G on the plus strand (G>C on the coding strand, the complement: TNXB is on the minus strand). VCF-style: chr6-32070201-C-G. GRCh37 (hg19) VCF-style: chr6-32037978-C-G.
Other names: c.5945G>C, p.Arg1982Pro (NM_001428335.1); c.5204G>C, p.Arg1735Pro (NM_019105.8); short protein forms R1735P, R1982P.
Identifiers: ClinVar variation 4615142 (VCV004615142.1).